The following is an entry in ClinVar:

NM_000368.5(TSC1):c.379G>A (p.Val127Ile)

Gene: TSC1 (TSC complex subunit 1; minus strand). Cytogenetic location: 9q34.13.
Variant type: single nucleotide variant.
Coding change: c.379G>A on transcript NM_000368.5 (MANE Select); coding-DNA position 379, G replaced by A.
Protein change: p.Val127Ile; replaces valine 127 with isoleucine.
Molecular consequence: missense variant.
Genome position (GRCh38, 1-based): chr9:132,923,477, C>T on the plus strand (G>A on the coding strand, the complement: TSC1 is on the minus strand). VCF-style: chr9-132923477-C-T. GRCh37 (hg19) VCF-style: chr9-135798864-C-T.
Other names: c.379G>A, p.Val127Ile (NM_001162426.2); c.226G>A, p.Val76Ile (NM_001162427.2); c.16G>A, p.Val6Ile (NM_001362177.2); short protein forms V127I, V76I, V6I.
Identifiers: ClinVar variation 184670 (VCV000184670.19), dbSNP rs372215435, ClinGen allele CA007499.
Genomic context (GRCh38, chr9:132,923,477, plus strand): 5'-CAGACTGTGGAATCATTGGTAGCATGGTTATCAACACCAAGACGCCTGTTGTGAGGACAA[C>T]GACGTCAGTGTCCATCTGCAGGAGAAAAGGTCAAACAGGAAACGTCTGTCAGGCACTGGC-3'
Protein context (NP_000359.1, residues 117-137): LKCLKMDTDV[Val127Ile]VLTTGVLVLI

ClinVar aggregate classification (germline): Conflicting classifications of pathogenicity. Review status: criteria provided, conflicting classifications (1 of 4 stars). 6 submissions from 6 submitters: Uncertain significance (1); Benign (1); Likely benign (4). Last evaluated 2025-11-28.

Conditions:
Tuberous sclerosis 1 (TSC1). Identifiers: Orphanet 805, MedGen C1854465, MONDO:0008612, OMIM 191100.
Hereditary cancer-predisposing syndrome. Also called: Tumor predisposition; Hereditary Cancer Syndrome; Hereditary neoplastic syndrome; Neoplastic Syndromes, Hereditary. Identifiers: Orphanet 140162, MedGen C0027672, MeSH D009386, MONDO:0015356.
Tuberous sclerosis syndrome (TSC). Also called: Tuberous Sclerosis Complex; Tuberous sclerosis. Identifiers: Orphanet 805, MedGen C0041341, MONDO:0001734.

Allele frequency attached by ClinVar (database versions not stated): ExAC 0.00002; gnomAD 0.00002 and 0.00003; gnomAD exomes 0.00002 and 0.00005; TOPMed 0.00003.
gnomAD v4.1: 75 of 1,614,088 alleles (0.0046%); highest among the groups gnomAD compares: Non-Finnish European, 0.0058%; no homozygotes.

Submissions (6):

Labcorp Genetics (formerly Invitae), Labcorp
Classification: Benign for Tuberous sclerosis 1. Last evaluated: 2025-11-28. Review status: criteria provided, single submitter. Criteria: Invitae Variant Classification Sherloc (09022015). Collection method: clinical testing. Allele origin: germline.

Color Diagnostics, LLC DBA Color Health
Classification: Likely benign for Tuberous sclerosis syndrome. Last evaluated: 2022-05-17. Review status: criteria provided, single submitter. Criteria: ACMG Guidelines, 2015. Collection method: clinical testing. Allele origin: germline.

Genome-Nilou Lab
Classification: Likely benign for Tuberous sclerosis 1. Last evaluated: 2021-11-07. Review status: criteria provided, single submitter. Criteria: ACMG Guidelines, 2015. Collection method: clinical testing. Allele origin: germline. Affected: no.

Ambry Genetics
Classification: Likely benign for Hereditary cancer-predisposing syndrome. Last evaluated: 2018-05-31. Review status: criteria provided, single submitter. Criteria: Ambry Variant Classification Scheme 2023. Collection method: clinical testing. Allele origin: germline.

GeneDx
Classification: Uncertain significance. Last evaluated: 2017-06-19. Review status: criteria provided, single submitter. Criteria: GeneDx Variant Classification (06012015). Collection method: clinical testing. Allele origin: germline. Affected: yes.
Comment: A variant of uncertain significance has been identified in the TSC1 gene. The V127I variant has not been published as a pathogenic variant, nor has it been reported as a benign variant to our knowledge. The V127I variant is not observed at a significant frequency in large population cohorts (Lek et al., 2016; 1000 Genomes Consortium et al., 2015; Exome Variant Server). The V127I variant is a conservative amino acid substitution, which is not likely to impact secondary protein structure as these residues share similar properties. This substitution occurs at a position where amino acids with similar properties to Valine are tolerated across species. Additionally, the vast majority of TSC1 pathogenic variants result in protein truncation, while missense variants have been reported only rarely (Northrup et al., 2011; Au et al., 2007). However, multiple missense variants in nearby residues have been reported in Human Gene Mutation Database in association with tuberous sclerosis (Stenson et al., 2014), supporting the functional importance of this region of the protein. In silico analysis is inconsistent in its predictions as to whether or not the variant is damaging to the protein structure/function. Therefore, based on the currently available information, it is unclear whether this variant is a pathogenic variant or a rare benign variant.

PreventionGenetics, part of Exact Sciences
Classification: Likely benign. Review status: criteria provided, single submitter. Criteria: ACMG Guidelines, 2015. Collection method: clinical testing. Allele origin: germline.